The following is an entry in ClinVar:

ClinVar aggregate classification (germline): Uncertain significance (1 of 4 stars; one submission).

gnomAD v4.1: 21 of 1,614,164 alleles (0.0013%); highest among the groups gnomAD compares: Non-Finnish European, 0.0011%; no homozygotes.

Submission:

Labcorp Genetics (formerly Invitae), Labcorp
Classification: Uncertain significance. Last evaluated: 2024-10-09. Review status: criteria provided, single submitter. Criteria: Invitae Variant Classification Sherloc (09022015). Collection method: clinical testing. Allele origin: germline.
Comment: This sequence change replaces glutamic acid, which is acidic and polar, with lysine, which is basic and polar, at codon 820 of the HYOU1 protein (p.Glu820Lys). This variant is present in population databases (rs782759376, gnomAD 0.02%). This variant has not been reported in the literature in individuals affected with HYOU1-related conditions. An algorithm developed to predict the effect of missense changes on protein structure and function (PolyPhen-2) suggests that this variant is likely to be tolerated. In summary, the available evidence is currently insufficient to determine the role of this variant in disease. Therefore, it has been classified as a Variant of Uncertain Significance.

NM_006389.5(HYOU1):c.2458G>A (p.Glu820Lys)

Gene: HYOU1 (hypoxia up-regulated 1; minus strand). Cytogenetic location: 11q23.3.
Variant type: single nucleotide variant.
Coding change: c.2458G>A on transcript NM_006389.5 (MANE Select); coding-DNA position 2458, G replaced by A.
Protein change: p.Glu820Lys; replaces glutamic acid 820 with lysine.
Molecular consequence: missense variant.
Genome position (GRCh38, 1-based): chr11:119,047,999, C>T on the plus strand (G>A on the coding strand, the complement: HYOU1 is on the minus strand). VCF-style: chr11-119047999-C-T. GRCh37 (hg19) VCF-style: chr11-118918711-C-T.
Other names: c.2458G>A, p.Glu820Lys (NM_001130991.3, NM_001411041.1); short protein forms E820K.
Identifiers: ClinVar variation 3705127 (VCV003705127.2).